The following is an entry in ClinVar:

ClinVar aggregate classification (germline): Likely benign. Review status: criteria provided, single submitter (1 of 4 stars). 2 submissions from 2 submitters: Likely benign (1). 1 of the submissions does not count toward it. Last evaluated 2025-06-03.

Conditions:
CTDP1-related disorder. Also called: CTDP1-related condition.

Allele frequency attached by ClinVar (database versions not stated): TOPMed 0.00001; ExAC 0.00002; gnomAD exomes 0.00005.
gnomAD v4.1: 73 of 1,614,180 alleles (0.0045%); highest among the groups gnomAD compares: East Asian, 0.0089%; no homozygotes.

Submissions (2):

Labcorp Genetics (formerly Invitae), Labcorp
Classification: Likely benign. Last evaluated: 2025-06-03. Review status: criteria provided, single submitter. Criteria: Invitae Variant Classification Sherloc (09022015). Collection method: clinical testing. Allele origin: germline.

PreventionGenetics, part of Exact Sciences
Classification: Likely benign for CTDP1-related condition. Last evaluated: 2019-02-21. Review status: no assertion criteria provided. Collection method: clinical testing. Allele origin: germline. Not counted in ClinVar's aggregate classification.
Comment: This variant is classified as likely benign based on ACMG/AMP sequence variant interpretation guidelines (Richards et al. 2015 PMID: 25741868, with internal and published modifications).

NM_004715.5(CTDP1):c.591C>T (p.Thr197=)

Gene: CTDP1 (CTD phosphatase subunit 1; plus strand). Cytogenetic location: 18q23.
Variant type: single nucleotide variant.
Coding change: c.591C>T on transcript NM_004715.5 (MANE Select); coding-DNA position 591, C replaced by T.
Protein change: p.Thr197=; no amino-acid change (threonine 197 retained).
Molecular consequence: synonymous variant.
Genome position (GRCh38, 1-based): chr18:79,697,958, C>T. VCF-style: chr18-79697958-C-T. GRCh37 (hg19) VCF-style: chr18-77457958-C-T.
Other names: c.234C>T, p.Thr78= (NM_001202504.1); c.591C>T, p.Thr197= (NM_001318511.2, NM_048368.4).
Identifiers: ClinVar variation 2714348 (VCV002714348.5), dbSNP rs762372815, ClinGen allele CA9010015.